The following is an entry in ClinVar:

ClinVar aggregate classification (germline): Pathogenic/Likely pathogenic. Review status: criteria provided, multiple submitters, no conflicts (2 of 4 stars). 2 submissions from 2 submitters: Pathogenic (1); Likely pathogenic (1). Last evaluated 2024-01-10.

Conditions:
Ataxia-telangiectasia syndrome (AT). Also called: LOUIS-BAR SYNDROME; Cerebello-oculocutaneous telangiectasia; Immunodeficiency with ataxia telangiectasia; Ataxia-telangiectasia, complementation group D; AT, COMPLEMENTATION GROUP C; ATAXIA-TELANGIECTASIA, COMPLEMENTATION GROUP A. Identifiers: Orphanet 100, MedGen C0004135, MONDO:0008840, OMIM 208900.
Familial cancer of breast. Also called: BREAST CANCER, FAMILIAL; Hereditary breast cancer; hereditary breast carcinoma. Identifiers: Orphanet 227535, MedGen C0346153, MONDO:0016419, OMIM 114480. Disease mechanism: loss of function.
Hereditary cancer-predisposing syndrome. Also called: Tumor predisposition; Neoplastic Syndromes, Hereditary; Hereditary Cancer Syndrome; Hereditary neoplastic syndrome. Identifiers: Orphanet 140162, MedGen C0027672, MeSH D009386, MONDO:0015356.

Submissions (2):

Fulgent Genetics
Classification: Likely pathogenic for Familial cancer of breast; Ataxia-telangiectasia syndrome. Last evaluated: 2024-01-10. Review status: criteria provided, single submitter. Criteria: ACMG Guidelines, 2015. Collection method: clinical testing. Allele origin: germline.

Ambry Genetics
Classification: Pathogenic for Hereditary cancer-predisposing syndrome. Last evaluated: 2021-09-01. Review status: criteria provided, single submitter. Criteria: Ambry Variant Classification Scheme 2023. Collection method: clinical testing. Allele origin: germline.
Comment: The p.E744* pathogenic mutation (also known as c.2230G>T), located in coding exon 13 of the ATM gene, results from a G to T substitution at nucleotide position 2230. This changes the amino acid from a glutamic acid to a stop codon within coding exon 13. This alteration is expected to result in loss of function by premature protein truncation or nonsense-mediated mRNA decay. As such, this alteration is interpreted as a disease-causing mutation.

NM_000051.4(ATM):c.2230G>T (p.Glu744Ter)

Gene: ATM (ATM serine/threonine kinase; plus strand). Cytogenetic location: 11q22.3.
Variant type: single nucleotide variant.
Coding change: c.2230G>T on transcript NM_000051.4 (MANE Select); coding-DNA position 2230, G replaced by T.
Protein change: p.Glu744Ter; replaces glutamic acid 744 with a stop codon.
Molecular consequence: nonsense.
Genome position (GRCh38, 1-based): chr11:108,256,320, G>T. VCF-style: chr11-108256320-G-T. GRCh37 (hg19) VCF-style: chr11-108127047-G-T.
Other names: c.2230G>T, p.Glu744Ter (NM_001351834.2); short protein forms E744*.
Identifiers: ClinVar variation 1788110 (VCV001788110.3), dbSNP rs2135394519, ClinGen allele CA382539184.